The following is an entry in ClinVar:

NM_138694.4(PKHD1):c.4987_4990del (p.Ile1663fs)

Genes: PKHD1 (PKHD1 ciliary IPT domain containing fibrocystin/polyductin; minus strand), LOC126859690 (MED14-independent group 3 enhancer GRCh37_chr6:51888848-51890047; plus strand). Cytogenetic location: 6p12.2.
Variant type: Deletion.
Coding change: c.4987_4990del on transcript NM_138694.4 (MANE Select); coding-DNA positions 4987 to 4990, 4 bases deleted (ATTT; older notation c.4987_4990delATTT).
Protein change: p.Ile1663fs; shifts the reading frame from isoleucine 1663.
Molecular consequence: frameshift variant.
Genome position (GRCh38, 1-based): chr6:52,024,820-52,024,823, AAAT deleted on the plus strand (ATTT on the coding strand, the reverse complement: PKHD1 is on the minus strand); deleting any 4 consecutive bases within chr6:52,024,820-52,024,824 gives the same sequence; the c. name uses the placement nearest the transcript's 3' end. VCF-style (leftmost placement, unchanged base first): chr6-52024819-GAAAT-G. GRCh37 (hg19) VCF-style: chr6-51889617-GAAAT-G.
Other names: c.4987_4990del, p.Ile1663fs (NM_170724.3); short protein forms I1663fs.
Identifiers: ClinVar variation 4816683 (VCV004816683.1).
Genomic context (GRCh38, chr6:52,024,819, plus strand): 5'-TCAATGTTTGCAGCTCCTGAGATCTGGGCCACTGCAAAGGTTAAGATGTCATCGCTCTGA[GAAAT>G]AGAGATCAATTCTGGGGTAAAGGCCTTGTTATAACCAATGACTCCTATGTGATACCAAAG-3'

ClinVar aggregate classification (germline): Likely pathogenic (1 of 4 stars; one submission).

Conditions:
Autosomal recessive polycystic kidney disease (ARPKD). Also called: AR polycystic kidney disease. Identifiers: Orphanet 731, Orphanet 8378, MedGen C0085548, MeSH D017044, MONDO:0009889.

Submission:

Natera, Inc.
Classification: Likely pathogenic for Autosomal recessive polycystic kidney disease. Last evaluated: 2024-03-28. Review status: criteria provided, single submitter. Criteria: Natera Variant Classification Schema (03/2026). Collection method: clinical testing. Allele origin: germline.
Comment: The c.4987_4990delATTT variant in PKHD1 is a frameshift variant predicted to shift the reading frame beginning at codon 1663 and leads to a stop codon 7 codons downstream. This variant is expected to result in nonsense mediated decay, truncation, or a dysfunctional protein product. This variant is rare in the general population with a frequency below the threshold expected for the associated phenotype(s). Given the available evidence, this variant is classified as Likely Pathogenic.